The following is an entry in ClinVar:

ClinVar aggregate classification (germline): Uncertain significance. Review status: criteria provided, multiple submitters, no conflicts (2 of 4 stars). 2 submissions from 2 submitters: Uncertain significance (2). Last evaluated 2022-04-12.

Conditions:
Arginase deficiency. Also called: Arginase 1 Deficiency; ARGININEMIA; ARG1 DEFICIENCY. Identifiers: Orphanet 90, MedGen C0268548, MONDO:0008814, OMIM 207800.

Allele frequency attached by ClinVar (database versions not stated): gnomAD exomes 0.00004 and 0.00008; TOPMed below 0.00001; ExAC 0.00008; gnomAD 0.00001.
gnomAD v4.1: 56 of 1,613,968 alleles (0.0035%); highest among the groups gnomAD compares: South Asian, 0.054%; no homozygotes.

Submissions (2):

Labcorp Genetics (formerly Invitae), Labcorp
Classification: Uncertain significance for Arginase deficiency. Last evaluated: 2022-04-12. Review status: criteria provided, single submitter. Criteria: Invitae Variant Classification Sherloc (09022015). Collection method: clinical testing. Allele origin: germline.
Comment: This sequence change replaces glycine, which is neutral and non-polar, with cysteine, which is neutral and slightly polar, at codon 310 of the ARG1 protein (p.Gly310Cys). This variant is present in population databases (rs760628925, gnomAD 0.06%). This variant has not been reported in the literature in individuals affected with ARG1-related conditions. ClinVar contains an entry for this variant (Variation ID: 903879). Algorithms developed to predict the effect of missense changes on protein structure and function are either unavailable or do not agree on the potential impact of this missense change (SIFT: "Deleterious"; PolyPhen-2: "Probably Damaging"; Align-GVGD: "Class C0"). In summary, the available evidence is currently insufficient to determine the role of this variant in disease. Therefore, it has been classified as a Variant of Uncertain Significance.

Illumina Laboratory Services, Illumina
Classification: Uncertain significance for Arginase deficiency. Last evaluated: 2018-01-13. Review status: criteria provided, single submitter. Criteria: ICSL Variant Classification Criteria 13 December 2019. Collection method: clinical testing. Allele origin: germline.

NM_000045.4(ARG1):c.928G>T (p.Gly310Cys)

Genes: ARG1 (arginase 1; plus strand), MED23 (mediator complex subunit 23; minus strand). Cytogenetic location: 6q23.2.
Variant type: single nucleotide variant.
Coding change: c.928G>T on transcript NM_000045.4 (MANE Select); coding-DNA position 928, G replaced by T.
Protein change: p.Gly310Cys; replaces glycine 310 with cysteine.
Molecular consequence: missense variant. On other transcripts: non-coding transcript variant (1), intron variant (2).
Genome position (GRCh38, 1-based): chr6:131,583,867, G>T. VCF-style: chr6-131583867-G-T. GRCh37 (hg19) VCF-style: chr6-131905007-G-T.
Other names: c.952G>T, p.Gly318Cys (NM_001244438.2); c.673G>T, p.Gly225Cys (NM_001369020.1); c.4077+3842C>A (NM_001270521.2); c.4095+3842C>A (NM_015979.4); short protein forms G310C, G318C, G225C.
Identifiers: ClinVar variation 903879 (VCV000903879.8), dbSNP rs760628925, ClinGen allele CA3999413.